The following is an entry in ClinVar:

ClinVar aggregate classification (germline): Likely benign. Review status: criteria provided, multiple submitters, no conflicts (2 of 4 stars). 4 submissions from 4 submitters: Likely benign (3). 1 of the submissions does not count toward it. Last evaluated 2024-03-08.

Conditions:
RPGRIP1L-related disorder. Also called: RPGRIP1L-related disorders; RPGRIP1L-related condition. Identifiers: MedGen CN239416.
Meckel-Gruber syndrome. Also called: DYSENCEPHALIA SPLANCHNOCYSTICA; GRUBER SYNDROME; Dysencephalia splachnocystica. Identifiers: Orphanet 564, MedGen C0265215, MONDO:0018921.
Joubert syndrome. Also called: JOUBERT-BOLTSHAUSER SYNDROME; Familial aplasia of the vermis. Identifiers: Orphanet 475, MedGen C5979921, MONDO:0018772.

Allele frequency attached by ClinVar (database versions not stated): ExAC 0.00001; TOPMed 0.00002; gnomAD exomes 0.00003 and 0.00005; gnomAD 0.00005 and 0.00006; ESP Exome Variant Server 0.00008.
gnomAD v4.1: 56 of 1,613,844 alleles (0.0035%); highest among the groups gnomAD compares: East Asian, 0.011%; no homozygotes.

Submissions (4):

Labcorp Genetics (formerly Invitae), Labcorp
Classification: Likely benign for Joubert syndrome; Meckel-Gruber syndrome. Last evaluated: 2024-03-08. Review status: criteria provided, single submitter. Criteria: Invitae Variant Classification Sherloc (09022015). Collection method: clinical testing. Allele origin: germline.

Blueprint Genetics
Classification: Likely benign. Last evaluated: 2022-06-30. Review status: criteria provided, single submitter. Criteria: ACMG Guidelines, 2015. Collection method: clinical testing. Allele origin: germline.

GeneDx
Classification: Likely benign. Last evaluated: 2018-04-18. Review status: criteria provided, single submitter. Criteria: GeneDx Variant Classification (06012015). Collection method: clinical testing. Allele origin: germline. Affected: yes.
Comment: This variant is considered likely benign or benign based on one or more of the following criteria: it is a conservative change, it occurs at a poorly conserved position in the protein, it is predicted to be benign by multiple in silico algorithms, and/or has population frequency not consistent with disease.

PreventionGenetics, part of Exact Sciences
Classification: Likely benign for RPGRIP1L-related condition. Last evaluated: 2023-08-02. Review status: no assertion criteria provided. Collection method: clinical testing. Allele origin: germline. Not counted in ClinVar's aggregate classification.
Comment: This variant is classified as likely benign based on ACMG/AMP sequence variant interpretation guidelines (Richards et al. 2015 PMID: 25741868, with internal and published modifications).

NM_015272.5(RPGRIP1L):c.1872T>C (p.Ser624=)

Gene: RPGRIP1L (RPGRIP1 like; minus strand). Cytogenetic location: 16q12.2.
Variant type: single nucleotide variant.
Coding change: c.1872T>C on transcript NM_015272.5 (MANE Select); coding-DNA position 1872, T replaced by C.
Protein change: p.Ser624=; no amino-acid change (serine 624 retained).
Molecular consequence: synonymous variant.
Genome position (GRCh38, 1-based): chr16:53,652,815, A>G on the plus strand (T>C on the coding strand, the complement: RPGRIP1L is on the minus strand). VCF-style: chr16-53652815-A-G. GRCh37 (hg19) VCF-style: chr16-53686727-A-G.
Other names: c.1872T>C, p.Ser624= (NM_001127897.4, NM_001308334.3, NM_001330538.2); c.1872T>C (NM_015272.4).
Identifiers: ClinVar variation 413874 (VCV000413874.16), dbSNP rs149464542, ClinGen allele CA8057682.
Genomic context (GRCh38, chr16:53,652,815, plus strand): 5'-TGTCTGTAGTTCAAAATCATAGAAAGCATAGGTACAGAAAGTGACAGGCTCTTTATCTCC[A>G]GATGCCTGTAAAACTTCAGAAGAAAAGGTTACTTTGTTGATATGGATTTCAAATAGATTT-3'
Protein context (NP_056087.2, residues 614-634): VTFSSEVLQA[Ser624=]GDKEPVTFCT